The following is an entry in ClinVar:

ClinVar aggregate classification (germline): Uncertain significance. Review status: criteria provided, multiple submitters, no conflicts (2 of 4 stars). 2 submissions from 2 submitters: Uncertain significance (2). Last evaluated 2025-08-12.

Conditions:
Cardiovascular phenotype. Identifiers: MedGen CN230736.
RASopathy. Also called: rasopathies; Noonan spectrum disorder. Identifiers: Orphanet 536391, MedGen C5555857, MONDO:0021060.

gnomAD v4.1: 1 of 1,613,978 alleles (0.000062%); highest among the groups gnomAD compares: South Asian, 0.0011%; no homozygotes.

Submissions (2):

Ambry Genetics
Classification: Uncertain significance for Cardiovascular phenotype. Last evaluated: 2025-08-12. Review status: criteria provided, single submitter. Criteria: Ambry Variant Classification Scheme 2023. Collection method: clinical testing. Allele origin: germline.
Comment: The p.P1090S variant (also known as c.3268C>T), located in coding exon 20 of the SOS1 gene, results from a C to T substitution at nucleotide position 3268. The proline at codon 1090 is replaced by serine, an amino acid with similar properties. This amino acid position is conserved. In addition, the in silico prediction for this alteration is inconclusive. Based on the available evidence, the clinical significance of this variant remains unclear.

Labcorp Genetics (formerly Invitae), Labcorp
Classification: Uncertain significance for RASopathy. Last evaluated: 2024-02-07. Review status: criteria provided, single submitter. Criteria: Invitae Variant Classification Sherloc (09022015). Collection method: clinical testing. Allele origin: germline.
Comment: This sequence change replaces proline, which is neutral and non-polar, with serine, which is neutral and polar, at codon 1090 of the SOS1 protein (p.Pro1090Ser). This variant is not present in population databases (gnomAD no frequency). This variant has not been reported in the literature in individuals affected with SOS1-related conditions. ClinVar contains an entry for this variant (Variation ID: 1720219). Advanced modeling of protein sequence and biophysical properties (such as structural, functional, and spatial information, amino acid conservation, physicochemical variation, residue mobility, and thermodynamic stability) performed at Invitae indicates that this missense variant is not expected to disrupt SOS1 protein function with a negative predictive value of 95%. In summary, the available evidence is currently insufficient to determine the role of this variant in disease. Therefore, it has been classified as a Variant of Uncertain Significance.

NM_005633.4(SOS1):c.3268C>T (p.Pro1090Ser)

Gene: SOS1 (SOS Ras/Rac guanine nucleotide exchange factor 1; minus strand). Cytogenetic location: 2p22.1.
Variant type: single nucleotide variant.
Coding change: c.3268C>T on transcript NM_005633.4 (MANE Select); coding-DNA position 3268, C replaced by T.
Protein change: p.Pro1090Ser; replaces proline 1090 with serine.
Molecular consequence: missense variant.
Genome position (GRCh38, 1-based): chr2:38,995,201, G>A on the plus strand (C>T on the coding strand, the complement: SOS1 is on the minus strand). VCF-style: chr2-38995201-G-A. GRCh37 (hg19) VCF-style: chr2-39222342-G-A.
Other names: c.3247C>T, p.Pro1083Ser (NM_001382394.1); c.3268C>T, p.Pro1090Ser (NM_001382395.1); short protein forms P1083S, P1090S.
Identifiers: ClinVar variation 1720219 (VCV001720219.6), dbSNP rs1271964438, ClinGen allele CA346360572.